The following is an entry in ClinVar:

ClinVar aggregate classification (germline): Uncertain significance (1 of 4 stars; one submission).

Allele frequency attached by ClinVar (database versions not stated): ExAC 0.00002; TOPMed 0.00004.
gnomAD v4.1: 172 of 1,608,782 alleles (0.011%); highest among the groups gnomAD compares: Non-Finnish European, 0.014%; no homozygotes.

Submission:

Labcorp Genetics (formerly Invitae), Labcorp
Classification: Uncertain significance. Last evaluated: 2024-11-11. Review status: criteria provided, single submitter. Criteria: Invitae Variant Classification Sherloc (09022015). Collection method: clinical testing. Allele origin: germline.
Comment: This sequence change replaces asparagine, which is neutral and polar, with serine, which is neutral and polar, at codon 653 of the NIN protein (p.Asn653Ser). This variant is present in population databases (rs767427643, gnomAD 0.005%). This variant has not been reported in the literature in individuals affected with NIN-related conditions. ClinVar contains an entry for this variant (Variation ID: 2895021). An algorithm developed to predict the effect of missense changes on protein structure and function outputs the following: PolyPhen-2: "Benign". The serine amino acid residue is found in multiple mammalian species, which suggests that this missense change does not adversely affect protein function. In summary, the available evidence is currently insufficient to determine the role of this variant in disease. Therefore, it has been classified as a Variant of Uncertain Significance.

NM_020921.4(NIN):c.1958A>G (p.Asn653Ser)

Genes: NIN (ninein; minus strand), LOC130055602 (ATAC-STARR-seq lymphoblastoid active region 8362; plus strand). Cytogenetic location: 14q22.1.
Variant type: single nucleotide variant.
Coding change: c.1958A>G on transcript NM_020921.4 (MANE Select); coding-DNA position 1958, A replaced by G.
Protein change: p.Asn653Ser; replaces asparagine 653 with serine.
Molecular consequence: missense variant.
Genome position (GRCh38, 1-based): chr14:50,760,298, T>C on the plus strand (A>G on the coding strand, the complement: NIN is on the minus strand). VCF-style: chr14-50760298-T-C. GRCh37 (hg19) VCF-style: chr14-51227016-T-C.
Other names: c.1958A>G, p.Asn653Ser (NM_016350.5, NM_182944.3, NM_182946.2); short protein forms N653S.
Identifiers: ClinVar variation 2895021 (VCV002895021.3), dbSNP rs767427643, ClinGen allele CA7182030.